The following is an entry in ClinVar:

ClinVar aggregate classification (germline): Pathogenic/Likely pathogenic. Review status: criteria provided, multiple submitters, no conflicts (2 of 4 stars). 3 submissions from 3 submitters: Pathogenic (2); Likely pathogenic (1). Last evaluated 2025-08-23.

Conditions:
Polycystic kidney disease 4 (PKD4). Also called: Autosomal Recessive Polycystic Kidney Disease – PKHD1; POLYCYSTIC KIDNEY AND HEPATIC DISEASE 1; POLYCYSTIC KIDNEY DISEASE, INFANTILE, TYPE I; PKD3; POLYCYSTIC KIDNEY DISEASE 4 WITH OR WITHOUT POLYCYSTIC LIVER DISEASE. Identifiers: MedGen C4540575, MONDO:0033004, OMIM 263200.
Autosomal recessive polycystic kidney disease (ARPKD). Also called: AR polycystic kidney disease. Identifiers: Orphanet 731, Orphanet 8378, MedGen C0085548, MeSH D017044, MONDO:0009889.

Submissions (3):

Natera, Inc.
Classification: Likely pathogenic for Autosomal recessive polycystic kidney disease. Last evaluated: 2025-08-23. Review status: criteria provided, single submitter. Criteria: Natera Variant Classification Schema (03/2026). Collection method: clinical testing. Allele origin: germline.
Comment: The c.3549delT variant in PKHD1 is a frameshift variant predicted to shift the reading frame beginning at codon 1184 and leads to a stop codon 36 codons downstream. This variant is expected to result in nonsense mediated decay, truncation, or a dysfunctional protein product. This variant is rare in the general population with a frequency below the threshold expected for the associated phenotype(s). Given the available evidence, this variant is classified as Likely Pathogenic.

Myriad Genetics, Inc.
Classification: Pathogenic for Polycystic kidney disease 4. Last evaluated: 2024-09-19. Review status: criteria provided, single submitter. Criteria: Myriad Autosomal Dominant, Autosomal Recessive and X-Linked Classification Criteria (2023). Collection method: clinical testing. Allele origin: unknown.
Comment: NM_138694.3(PKHD1):c.3549delT(H1184Tfs*36) is expected to be pathogenic in the context of autosomal recessive polycystic kidney disease, PKHD1-related. This variant is predicted to lead to an abnormal or absent protein product due to the creation of a premature termination codon in PKHD1, a gene where loss-of-function variants are known to be pathogenic. Please note: this variant was assessed in the context of healthy population screening.

Labcorp Genetics (formerly Invitae), Labcorp
Classification: Pathogenic for Autosomal recessive polycystic kidney disease. Last evaluated: 2019-03-12. Review status: criteria provided, single submitter. Criteria: Invitae Variant Classification Sherloc (09022015). Collection method: clinical testing. Allele origin: germline.
Comment: For these reasons, this variant has been classified as Pathogenic. Loss-of-function variants in PKHD1 are known to be pathogenic (PMID: 19940839). This variant has not been reported in the literature in individuals with PKHD1-related conditions. This variant is not present in population databases (ExAC no frequency). This sequence change creates a premature translational stop signal (p.His1184Thrfs*36) in the PKHD1 gene. It is expected to result in an absent or disrupted protein product.

Literature cited by the submitters: PubMed 19940839 (cited by Labcorp Genetics (formerly Invitae), Labcorp).

NM_138694.4(PKHD1):c.3549del (p.His1184fs)

Gene: PKHD1 (PKHD1 ciliary IPT domain containing fibrocystin/polyductin; minus strand). Cytogenetic location: 6p12.2.
Variant type: Deletion.
Coding change: c.3549del on transcript NM_138694.4 (MANE Select); coding-DNA position 3549, one base deleted (T; older notation c.3549delT).
Protein change: p.His1184fs; shifts the reading frame from histidine 1184.
Molecular consequence: frameshift variant.
Genome position (GRCh38, 1-based): chr6:52,028,167, A deleted on the plus strand (T on the coding strand, the reverse complement: PKHD1 is on the minus strand); the first of 2 consecutive A bases (chr6:52,028,167-52,028,168); deleting either gives the same sequence. VCF-style (leftmost placement, unchanged base first): chr6-52028166-GA-G. GRCh37 (hg19) VCF-style: chr6-51892964-GA-G.
Other names: c.3549del, p.His1184fs (NM_170724.3); c.3549delT (NM_138694.3); short protein forms H1184fs.
Identifiers: ClinVar variation 855953 (VCV000855953.10), dbSNP rs1802504786, ClinGen allele CA916082842.